The following is an entry in ClinVar:

ClinVar aggregate classification (germline): Uncertain significance (1 of 4 stars; one submission).

gnomAD v4.1: 2 of 1,612,416 alleles (0.00012%); highest among the groups gnomAD compares: Non-Finnish European, 0.00017%; no homozygotes.

Submission:

Dasa
Classification: Uncertain significance. Last evaluated: 2026-05-28. Review status: criteria provided, single submitter. Criteria: DASA Assertion Criteria. Collection method: clinical testing. Allele origin: germline.
Comment: NM_015447.4(CAMSAP1):c.2603A>G (p.Lys868Arg) is a missense variant that results in the substitution of lysine with arginine. This variant has been observed in affected individuals with CAMSAP1-related disorders. Also, this variant is rare in population databases. Computational prediction algorithms are consistent with a benign effect. The currently available literature and clinical evidence are not sufficient to establish a definitive association between this variant and the reported condition. Therefore, this variant is classified as a variant of uncertain significance.

NM_015447.4(CAMSAP1):c.2603A>G (p.Lys868Arg)

Gene: CAMSAP1 (calmodulin regulated spectrin associated protein 1; minus strand). Cytogenetic location: 9q34.3.
Variant type: single nucleotide variant.
Coding change: c.2603A>G on transcript NM_015447.4 (MANE Select); coding-DNA position 2603, A replaced by G.
Protein change: p.Lys868Arg; replaces lysine 868 with arginine.
Molecular consequence: missense variant.
Genome position (GRCh38, 1-based): chr9:135,822,058, T>C on the plus strand (A>G on the coding strand, the complement: CAMSAP1 is on the minus strand). VCF-style: chr9-135822058-T-C. GRCh37 (hg19) VCF-style: chr9-138713904-T-C.
Other names: c.1769A>G, p.Lys590Arg (NM_001411031.1); c.2636A>G, p.Lys879Arg (NM_001437279.1); c.2171A>G, p.Lys724Arg (NM_001437280.1); c.2006A>G, p.Lys669Arg (NM_001437281.1); short protein forms K590R, K669R, K724R, K868R, K879R.
Identifiers: ClinVar variation 5020465 (VCV005020465.1).
Genomic context (GRCh38, chr9:135,822,058, plus strand): 5'-TTCTCCTCCAGCTGCATGTGCAGCTGTACCAGCTCAGATGCCAGGAGGCTGGCGGGATCC[T>C]TGCCATGCTGGCTCGGACTCTGCTCCCTCTTCTGCCTCCACGTCGTCAGAGGGGCTGGGC-3'
Protein context (NP_056262.3, residues 858-878): KREQSPSQHG[Lys868Arg]DPASLLASEL